The following is an entry in ClinVar:

ClinVar aggregate classification (germline): Uncertain significance (1 of 4 stars; one submission).

Submission:

GeneDx
Classification: Uncertain significance. Last evaluated: 2023-03-15. Review status: criteria provided, single submitter. Criteria: GeneDx Variant Classification Process June 2021. Collection method: clinical testing. Allele origin: germline. Affected: yes.
Comment: Not observed at significant frequency in large population cohorts (gnomAD); In silico analysis supports that this missense variant does not alter protein structure/function; Has not been previously published as pathogenic or benign to our knowledge

NM_025114.4(CEP290):c.4711A>G (p.Arg1571Gly)

Gene: CEP290 (centrosomal protein 290; minus strand). Cytogenetic location: 12q21.32.
Variant type: single nucleotide variant.
Coding change: c.4711A>G on transcript NM_025114.4 (MANE Select); coding-DNA position 4711, A replaced by G.
Protein change: p.Arg1571Gly; replaces arginine 1571 with glycine.
Molecular consequence: missense variant.
Genome position (GRCh38, 1-based): chr12:88,083,948, T>C on the plus strand (A>G on the coding strand, the complement: CEP290 is on the minus strand). VCF-style: chr12-88083948-T-C. GRCh37 (hg19) VCF-style: chr12-88477725-T-C.
Other names: short protein forms R1571G.
Identifiers: ClinVar variation 2579870 (VCV002579870.1), dbSNP rs2499974732, ClinGen allele CA385994133.